The following is an entry in ClinVar:

ClinVar aggregate classification (germline): Uncertain significance (1 of 4 stars; one submission).

Conditions:
Developmental and epileptic encephalopathy, 12 (DEE12). Identifiers: MedGen C3150988, MONDO:0013389, OMIM 613722.

gnomAD v4.1: 1 of 1,594,306 alleles (0.000063%); highest among the groups gnomAD compares: Admixed American, 0.0017%; no homozygotes.

Submission:

Labcorp Genetics (formerly Invitae), Labcorp
Classification: Uncertain significance for Developmental and epileptic encephalopathy, 12. Last evaluated: 2022-04-29. Review status: criteria provided, single submitter. Criteria: Invitae Variant Classification Sherloc (09022015). Collection method: clinical testing. Allele origin: germline.
Comment: In summary, the available evidence is currently insufficient to determine the role of this variant in disease. Therefore, it has been classified as a Variant of Uncertain Significance. This variant disrupts the p.Thr408 amino acid residue in PNKP. Other variant(s) that disrupt this residue have been determined to be pathogenic (PMID: 25728773, 27066567). This suggests that this residue is clinically significant, and that variants that disrupt this residue are likely to be disease-causing. Algorithms developed to predict the effect of missense changes on protein structure and function are either unavailable or do not agree on the potential impact of this missense change (SIFT: "Deleterious"; PolyPhen-2: "Benign"; Align-GVGD: "Class C0"). ClinVar contains an entry for this variant (Variation ID: 478624). This variant has not been reported in the literature in individuals affected with PNKP-related conditions. The frequency data for this variant in the population databases is considered unreliable, as metrics indicate poor data quality at this position in the gnomAD database. This sequence change replaces threonine, which is neutral and polar, with lysine, which is basic and polar, at codon 408 of the PNKP protein (p.Thr408Lys).

Literature cited by the submitters: PubMed 25728773; PubMed 27066567.

NM_007254.4(PNKP):c.1223C>A (p.Thr408Lys)

Gene: PNKP (polynucleotide kinase 3'-phosphatase; minus strand). Cytogenetic location: 19q13.33.
Variant type: single nucleotide variant.
Coding change: c.1223C>A on transcript NM_007254.4 (MANE Select); coding-DNA position 1223, C replaced by A.
Protein change: p.Thr408Lys; replaces threonine 408 with lysine.
Molecular consequence: missense variant.
Genome position (GRCh38, 1-based): chr19:49,861,847, G>T on the plus strand (C>A on the coding strand, the complement: PNKP is on the minus strand). VCF-style: chr19-49861847-G-T. GRCh37 (hg19) VCF-style: chr19-50365104-G-T.
Other names: short protein forms T408K.
Identifiers: ClinVar variation 478624 (VCV000478624.11), dbSNP rs774130130, ClinGen allele CA406933586.